The following is an entry in ClinVar:

NM_001035.3(RYR2):c.14703G>C (p.Val4901=)

Gene: RYR2 (ryanodine receptor 2; plus strand). Cytogenetic location: 1q43.
Variant type: single nucleotide variant.
Coding change: c.14703G>C on transcript NM_001035.3 (MANE Select); coding-DNA position 14703, G replaced by C.
Protein change: p.Val4901=; no amino-acid change (valine 4901 retained).
Molecular consequence: synonymous variant.
Genome position (GRCh38, 1-based): chr1:237,830,577, G>C. VCF-style: chr1-237830577-G-C. GRCh37 (hg19) VCF-style: chr1-237993877-G-C.
Other names: c.14703G>C, p.Val4901= (LRG_402t1).
Identifiers: ClinVar variation 167632 (VCV000167632.71), dbSNP rs201371633, ClinGen allele CA008343.

ClinVar aggregate classification (germline): Conflicting classifications of pathogenicity. Review status: criteria provided, conflicting classifications (1 of 4 stars). 10 submissions from 10 submitters: Uncertain significance (1); Benign (1); Likely benign (7). 1 of the submissions does not count toward it. Last evaluated 2026-06-01.

Conditions:
Cardiovascular phenotype. Identifiers: MedGen CN230736.
RYR2-related disorder. Also called: RYR2-related condition.
Catecholaminergic polymorphic ventricular tachycardia (CVPT). Also called: Catecholamine-induced polymorphic ventricular tachycardia. Identifiers: Orphanet 3286, MedGen C5574922, MONDO:0017990.
Cardiomyopathy (CMYO). Also called: Cardiomyopathies. Identifiers: Orphanet 167848, MedGen C0878544, MONDO:0004994, HP:0001638. Inheritance: Various modes of inheritance.
Catecholaminergic polymorphic ventricular tachycardia 1. Also called: RYR2-Related Catecholaminergic Polymorphic Ventricular Tachycardia; VENTRICULAR TACHYCARDIA, CATECHOLAMINERGIC POLYMORPHIC, 1, WITH OR WITHOUT ATRIAL DYSFUNCTION AND/OR DILATED CARDIOMYOPATHY; VENTRICULAR TACHYCARDIA, STRESS-INDUCED POLYMORPHIC 1. Identifiers: Orphanet 3286, MedGen C1631597, MONDO:0011484, OMIM 604772.

Allele frequency attached by ClinVar (database versions not stated): ESP Exome Variant Server 0.00008; ExAC 0.00010; gnomAD 0.00011 and 0.00013; gnomAD exomes 0.00014; TOPMed 0.00019.
gnomAD v4.1: 121 of 1,612,176 alleles (0.0075%); highest among the groups gnomAD compares: African/African-American, 0.033%; no homozygotes.

Submissions (10):

CeGaT Center for Human Genetics Tuebingen
Classification: Likely benign. Last evaluated: 2026-06-01. Review status: criteria provided, single submitter. Criteria: CeGaT Center For Human Genetics Tuebingen Variant Classification Criteria Version 2. Collection method: clinical testing. Allele origin: germline. Affected: yes. Observed: 5 variant alleles.
Comment: RYR2: BP4, BP7, BS2

Labcorp Genetics (formerly Invitae), Labcorp
Classification: Likely benign for Catecholaminergic polymorphic ventricular tachycardia 1. Last evaluated: 2025-12-10. Review status: criteria provided, single submitter. Criteria: Invitae Variant Classification Sherloc (09022015). Collection method: clinical testing. Allele origin: germline.

Blueprint Genetics
Classification: Likely benign. Last evaluated: 2024-09-02. Review status: criteria provided, single submitter. Criteria: ACMG Guidelines, 2015. Collection method: clinical testing. Allele origin: germline.

All of Us Research Program, National Institutes of Health
Classification: Likely benign for Catecholaminergic polymorphic ventricular tachycardia. Last evaluated: 2024-02-05. Review status: criteria provided, single submitter. Criteria: ACMG Guidelines, 2015. Collection method: clinical testing. Allele origin: germline. Inheritance: Autosomal dominant inheritance. Observed: 40 variant alleles, 40 heterozygotes.
Comment: This study involves interpretation of variants in research participants for the purpose of population health screening. Participant phenotype was not available at the time of variant classification. Additional details can be found in publication PMID: 35346344, PMCID: PMC8962531

Women's Health and Genetics/Laboratory Corporation of America, LabCorp
Classification: Benign. Last evaluated: 2021-10-02. Review status: criteria provided, single submitter. Criteria: LabCorp Variant Classification Summary - May 2015. Collection method: clinical testing. Allele origin: germline.

GeneDx
Classification: Likely benign. Last evaluated: 2021-07-08. Review status: criteria provided, single submitter. Criteria: GeneDx Variant Classification Process June 2021. Collection method: clinical testing. Allele origin: germline. Affected: yes.

Color Diagnostics, LLC DBA Color Health
Classification: Likely benign for Cardiomyopathy. Last evaluated: 2018-08-17. Review status: criteria provided, single submitter. Criteria: ACMG Guidelines, 2015. Collection method: clinical testing. Allele origin: germline.

Ambry Genetics
Classification: Likely benign for Cardiovascular phenotype. Last evaluated: 2016-11-30. Review status: criteria provided, single submitter. Criteria: Ambry Variant Classification Scheme 2023. Collection method: clinical testing. Allele origin: germline.

Eurofins Ntd Llc (ga)
Classification: Uncertain significance. Last evaluated: 2014-01-06. Review status: criteria provided, single submitter. Criteria: EGL Classification Definitions 2015. Collection method: clinical testing. Allele origin: germline. Observed: 1 variant allele, 1 heterozygote.

PreventionGenetics, part of Exact Sciences
Classification: Likely benign for RYR2-related condition. Last evaluated: 2019-07-15. Review status: no assertion criteria provided. Collection method: clinical testing. Allele origin: germline. Not counted in ClinVar's aggregate classification.
Comment: This variant is classified as likely benign based on ACMG/AMP sequence variant interpretation guidelines (Richards et al. 2015 PMID: 25741868, with internal and published modifications).